The following is an entry in ClinVar:

NM_015001.3(SPEN):c.10015A>G (p.Thr3339Ala)

Gene: SPEN (spen family transcriptional repressor; plus strand). Cytogenetic location: 1p36.13.
Variant type: single nucleotide variant.
Coding change: c.10015A>G on transcript NM_015001.3 (MANE Select); coding-DNA position 10015, A replaced by G.
Protein change: p.Thr3339Ala; replaces threonine 3339 with alanine.
Molecular consequence: missense variant.
Genome position (GRCh38, 1-based): chr1:15,936,255, A>G. VCF-style: chr1-15936255-A-G. GRCh37 (hg19) VCF-style: chr1-16262750-A-G.
Other names: c.10015A>G (NM_015001.2); short protein forms T3339A.
Identifiers: ClinVar variation 2436302 (VCV002436302.4), dbSNP rs1227610893, ClinGen allele CA338660933.

ClinVar aggregate classification (germline): Uncertain significance. Review status: criteria provided, multiple submitters, no conflicts (2 of 4 stars). 2 submissions from 2 submitters: Uncertain significance (2). Last evaluated 2026-05-11.

Conditions:
Radio-Tartaglia syndrome. Identifiers: Orphanet 662234, MedGen C5543339, MONDO:0859143, OMIM 619312.
SPEN-related disorder. Also called: SPEN-related condition.

gnomAD v4.1: 6 of 1,545,876 alleles (0.00039%); highest among the groups gnomAD compares: Non-Finnish European, 0.00035%; no homozygotes.

Submissions (2):

PreventionGenetics, part of Exact Sciences
Classification: Uncertain significance for SPEN-related condition. Last evaluated: 2026-05-11. Review status: criteria provided, single submitter. Criteria: ACMG Guidelines, 2015. Collection method: clinical testing. Allele origin: germline.
Comment: The SPEN c.10015A>G variant is predicted to result in the amino acid substitution p.Thr3339Ala. To our knowledge, this variant has not been reported in the literature. This variant is reported in 0.0011% of alleles in individuals of European (Non-Finnish) descent in gnomAD. At this time, the clinical significance of this variant is uncertain due to the absence of conclusive functional and genetic evidence.

Revvity Omics, Revvity
Classification: Uncertain significance for Radio-Tartaglia syndrome. Last evaluated: 2022-03-16. Review status: criteria provided, single submitter. Criteria: ACMG Guidelines, 2015. Collection method: clinical testing. Allele origin: germline.